The following is an entry in ClinVar:

ClinVar aggregate classification (germline): Pathogenic (1 of 4 stars; one submission).

Conditions:
Early-infantile DEE. Also called: Early infantile epileptic encephalopathy; Early infantile epileptic encephalopathy with suppression bursts; Ohtahara syndrome. Identifiers: Orphanet 1934, MedGen C0393706, MONDO:0800491.

Submission:

Labcorp Genetics (formerly Invitae), Labcorp
Classification: Pathogenic for Early-infantile DEE. Last evaluated: 2024-12-02. Review status: criteria provided, single submitter. Criteria: Invitae Variant Classification Sherloc (09022015). Collection method: clinical testing. Allele origin: germline.
Comment: This sequence change replaces leucine, which is neutral and non-polar, with phenylalanine, which is neutral and non-polar, at codon 1835 of the SCN1A protein (p.Leu1835Phe). This variant is not present in population databases (gnomAD no frequency). This missense change has been observed in individual(s) with Dravet syndrome (PMID: 18930999). In at least one individual the variant was observed to be de novo. ClinVar contains an entry for this variant (Variation ID: 2734295). Invitae Evidence Modeling of protein sequence and biophysical properties (such as structural, functional, and spatial information, amino acid conservation, physicochemical variation, residue mobility, and thermodynamic stability) indicates that this missense variant is expected to disrupt SCN1A protein function with a positive predictive value of 95%. For these reasons, this variant has been classified as Pathogenic.

Literature cited by the submitters: PubMed 18930999.

NM_001165963.4(SCN1A):c.5503C>T (p.Leu1835Phe)

Genes: SCN1A (sodium voltage-gated channel alpha subunit 1; minus strand), LOC102724058 (uncharacterized LOC102724058; plus strand). Cytogenetic location: 2q24.3.
Variant type: single nucleotide variant.
Coding change: c.5503C>T on transcript NM_001165963.4 (MANE Select); coding-DNA position 5503, C replaced by T.
Protein change: p.Leu1835Phe; replaces leucine 1835 with phenylalanine.
Molecular consequence: missense variant. On other transcripts: non-coding transcript variant (1).
Genome position (GRCh38, 1-based): chr2:165,991,772, G>A on the plus strand (C>T on the coding strand, the complement: SCN1A is on the minus strand). VCF-style: chr2-165991772-G-A. GRCh37 (hg19) VCF-style: chr2-166848282-G-A.
Other names: c.5419C>T, p.Leu1807Phe (NM_001165964.3, NM_001353957.2, NM_001353958.2); c.5503C>T, p.Leu1835Phe (NM_001202435.3, NM_001353948.2); c.5470C>T, p.Leu1824Phe (NM_001353949.2, NM_001353950.2, NM_001353951.2 and 2 more transcripts); c.5467C>T, p.Leu1823Phe (NM_001353954.2, NM_001353955.2); c.5416C>T, p.Leu1806Phe (NM_001353960.2); c.3061C>T, p.Leu1021Phe (NM_001353961.2); short protein forms L1806F, L1824F, L1021F, L1807F, L1823F, L1835F.
Identifiers: ClinVar variation 2734295 (VCV002734295.3), dbSNP rs2468330690, ClinGen allele CA349065707.